The following is an entry in ClinVar:

NM_017950.4(CCDC40):c.648C>A (p.Asp216Glu)

Gene: CCDC40 (coiled-coil domain 40 molecular ruler complex subunit; plus strand). Cytogenetic location: 17q25.3.
Variant type: single nucleotide variant.
Coding change: c.648C>A on transcript NM_017950.4 (MANE Select); coding-DNA position 648, C replaced by A.
Protein change: p.Asp216Glu; replaces aspartic acid 216 with glutamic acid.
Molecular consequence: missense variant.
Genome position (GRCh38, 1-based): chr17:80,047,374, C>A. VCF-style: chr17-80047374-C-A. GRCh37 (hg19) VCF-style: chr17-78021173-C-A.
Other names: c.648C>A, p.Asp216Glu (NM_001243342.2, NM_001330508.2); short protein forms D216E.
Identifiers: ClinVar variation 2461919 (VCV002461919.2), dbSNP rs375350606, ClinGen allele CA401352205.

ClinVar aggregate classification (germline): Uncertain significance (1 of 4 stars; one submission).

Conditions:
Primary ciliary dyskinesia. Also called: Ciliary dyskinesia. Identifiers: Orphanet 244, MedGen C0008780, MONDO:0016575, HP:0012265.

gnomAD v4.1: 5 of 1,613,526 alleles (0.00031%); highest among the groups gnomAD compares: East Asian, 0.0022%; no homozygotes.

Submission:

Ambry Genetics
Classification: Uncertain significance for Primary ciliary dyskinesia. Last evaluated: 2022-12-17. Review status: criteria provided, single submitter. Criteria: Ambry Variant Classification Scheme 2023. Collection method: clinical testing. Allele origin: germline.
Comment: The p.D216E variant (also known as c.648C>A), located in coding exon 4 of the CCDC40 gene, results from a C to A substitution at nucleotide position 648. The aspartic acid at codon 216 is replaced by glutamic acid, an amino acid with highly similar properties. This amino acid position is conserved. In addition, this alteration is predicted to be tolerated by in silico analysis. Since supporting evidence is limited at this time, the clinical significance of this alteration remains unclear.